The following is an entry in ClinVar:

NM_031844.3(HNRNPU):c.1117+1G>C

Gene: HNRNPU (heterogeneous nuclear ribonucleoprotein U; minus strand). Cytogenetic location: 1q44.
Variant type: single nucleotide variant.
Coding change: c.1117+1G>C on transcript NM_031844.3 (MANE Select); the canonical splice donor site of the intron after coding-DNA position 1117, G replaced by C.
Molecular consequence: splice donor variant.
Genome position (GRCh38, 1-based): chr1:244,859,274, C>G on the plus strand (G>C on the coding strand, the complement: HNRNPU is on the minus strand). VCF-style: chr1-244859274-C-G. GRCh37 (hg19) VCF-style: chr1-245022576-C-G.
Other names: c.1060+1G>C (NM_004501.3).
Identifiers: ClinVar variation 581357 (VCV000581357.7), dbSNP rs1558188078, ClinGen allele CA345492950.

ClinVar aggregate classification (germline): Likely pathogenic (1 of 4 stars; one submission).

Conditions:
Developmental and epileptic encephalopathy, 54. Also called: HNRNPU-Related Neurodevelopmental Disorder; Epileptic encephalopathy, early infantile, 54. Identifiers: MedGen C4479319, MONDO:0033363, OMIM 617391.

Submission:

Labcorp Genetics (formerly Invitae), Labcorp
Classification: Likely pathogenic for Developmental and epileptic encephalopathy, 54. Last evaluated: 2018-02-08. Review status: criteria provided, single submitter. Criteria: Invitae Variant Classification Sherloc (09022015). Collection method: clinical testing. Allele origin: germline.
Comment: In summary, the currently available evidence indicates that the variant is pathogenic, but additional data are needed to prove that conclusively. Therefore, this variant has been classified as Likely Pathogenic. Donor and acceptor splice site variants typically lead to a loss of protein function (PMID: 16199547), and loss-of-function variants in HNRNPU are known to be pathogenic (PMID: 22678713, 28283832). Algorithms developed to predict the effect of sequence changes on RNA splicing suggest that this variant may disrupt the consensus splice site, but this prediction has not been confirmed by published transcriptional studies. This variant has not been reported in the literature in individuals with HNRNPU-related disease. This variant is not present in population databases (ExAC no frequency). This sequence change affects a donor splice site in intron 5 of the HNRNPU gene. It is expected to disrupt RNA splicing and likely results in an absent or disrupted protein product.

Literature cited by the submitters: PubMed 16199547; PubMed 22678713; PubMed 28283832.